The following is an entry in ClinVar:

NM_000257.4(MYH7):c.353C>A (p.Ser118Ter)

Gene: MYH7 (myosin heavy chain 7; minus strand). Cytogenetic location: 14q11.2.
Variant type: single nucleotide variant.
Coding change: c.353C>A on transcript NM_000257.4 (MANE Select); coding-DNA position 353, C replaced by A.
Protein change: p.Ser118Ter; replaces serine 118 with a stop codon.
Molecular consequence: nonsense.
Genome position (GRCh38, 1-based): chr14:23,432,788, G>T on the plus strand (C>A on the coding strand, the complement: MYH7 is on the minus strand). VCF-style: chr14-23432788-G-T. GRCh37 (hg19) VCF-style: chr14-23901997-G-T.
Other names: c.353C>A, p.Ser118Ter (NM_001407004.1); short protein forms S118*.
Identifiers: ClinVar variation 1732439 (VCV001732439.2), dbSNP rs1893002285, ClinGen allele CA389053000.
Genomic context (GRCh38, chr14:23,432,788, plus strand): 5'-ACCTCAGGAGTGTACACCGGCAGCCACTTGTAAGGGTTGACGGTGACACAGAAGAGGCCC[G>T]AGTAGGTCTGGGGATAGAAAAGGAGCAGTGACTTGCCAGTTGCGAAGGGGGAGGGCTGGT-3'

ClinVar aggregate classification (germline): Uncertain significance (1 of 4 stars; one submission).

Conditions:
Cardiovascular phenotype. Identifiers: MedGen CN230736.

Allele frequency attached by ClinVar (database versions not stated): TOPMed below 0.00001.

Submission:

Ambry Genetics
Classification: Uncertain significance for Cardiovascular phenotype. Last evaluated: 2021-11-02. Review status: criteria provided, single submitter. Criteria: Ambry Variant Classification Scheme 2023. Collection method: clinical testing. Allele origin: germline.
Comment: The p.S118* variant (also known as c.353C>A), located in coding exon 3 of the MYH7 gene, results from a C to A substitution at nucleotide position 353. This changes the amino acid from a serine to a stop codon within coding exon 3. This alteration is expected to result in premature protein truncation or nonsense-mediated mRNA decay. However, loss of function of MYH7 has not been clearly established as a mechanism of disease. Since supporting evidence is limited at this time, the clinical significance of this alteration remains unclear.